The following is an entry in ClinVar:

ClinVar aggregate classification (germline): Benign. Review status: criteria provided, multiple submitters, no conflicts (2 of 4 stars). 3 submissions from 3 submitters: Benign (2). 1 of the submissions does not count toward it. Last evaluated 2018-04-24.

Conditions:
SEMA4D-related disorder. Also called: SEMA4D-related condition.

Allele frequency attached by ClinVar (database versions not stated): gnomAD exomes 0.00103 and 0.00299; ESP Exome Variant Server 0.01153; gnomAD 0.01235 and 0.01151; TOPMed 0.01252; ExAC 0.00371; 1000 Genomes Project 0.01338; 1000 Genomes Project 30x 0.01343.
gnomAD v4.1: 3,335 of 1,599,420 alleles (0.21%); highest among the groups gnomAD compares: African/African-American, 3.9%; 63 homozygotes.

Submissions (3):

Labcorp Genetics (formerly Invitae), Labcorp
Classification: Benign. Last evaluated: 2018-04-24. Review status: criteria provided, single submitter. Criteria: Invitae Variant Classification Sherloc (09022015). Collection method: clinical testing. Allele origin: germline.

Breakthrough Genomics
Classification: Benign. Review status: criteria provided, single submitter. Criteria: ACMG Guidelines, 2015. Collection method: not provided. Allele origin: germline. Inheritance: Unknown mechanism. Affected: yes.

PreventionGenetics, part of Exact Sciences
Classification: Benign for SEMA4D-related condition. Last evaluated: 2019-08-13. Review status: no assertion criteria provided. Collection method: clinical testing. Allele origin: germline. Not counted in ClinVar's aggregate classification.
Comment: This variant is classified as benign based on ACMG/AMP sequence variant interpretation guidelines (Richards et al. 2015 PMID: 25741868, with internal and published modifications).

NM_001371194.2(SEMA4D):c.1330+9C>T

Gene: SEMA4D (semaphorin 4D; minus strand). Cytogenetic location: 9q22.2.
Variant type: single nucleotide variant.
Coding change: c.1330+9C>T on transcript NM_001371194.2 (MANE Select); 9 bases into the intron after coding-DNA position 1330, C replaced by T.
Molecular consequence: intron variant.
Genome position (GRCh38, 1-based): chr9:89,387,377, G>A on the plus strand (C>T on the coding strand, the complement: SEMA4D is on the minus strand). VCF-style: chr9-89387377-G-A. GRCh37 (hg19) VCF-style: chr9-92002292-G-A.
Other names: c.1330+9C>T (NM_001371198.1, NM_001371201.1, NM_001371202.1 and 7 more transcripts).
Identifiers: ClinVar variation 792129 (VCV000792129.6), dbSNP rs73484027, ClinGen allele CA5118408.